The following is an entry in ClinVar:

NM_014244.5(ADAMTS2):c.3305T>G (p.Val1102Gly)

Gene: ADAMTS2 (ADAM metallopeptidase with thrombospondin type 1 motif 2; minus strand). Cytogenetic location: 5q35.3.
Variant type: single nucleotide variant.
Coding change: c.3305T>G on transcript NM_014244.5 (MANE Select); coding-DNA position 3305, T replaced by G.
Protein change: p.Val1102Gly; replaces valine 1102 with glycine.
Molecular consequence: missense variant.
Genome position (GRCh38, 1-based): chr5:179,114,198, A>C on the plus strand (T>G on the coding strand, the complement: ADAMTS2 is on the minus strand). VCF-style: chr5-179114198-A-C. GRCh37 (hg19) VCF-style: chr5-178541199-A-C.
Other names: short protein forms V1102G.
Identifiers: ClinVar variation 2174444 (VCV002174444.1), dbSNP rs1280852944, ClinGen allele CA362412379.

ClinVar aggregate classification (germline): Uncertain significance (1 of 4 stars; one submission).

Conditions:
Ehlers-Danlos syndrome, dermatosparaxis type. Also called: Dermatosparaxis; Ehlers-Danlos syndrome, type VII, autosomal recessive; EDS VIIC. Identifiers: Orphanet 1901, MedGen C2700425, MONDO:0009161, OMIM 225410.

Allele frequency attached by ClinVar (database versions not stated): TOPMed 0.00001.

Submission:

Labcorp Genetics (formerly Invitae), Labcorp
Classification: Uncertain significance for Ehlers-Danlos syndrome, dermatosparaxis type. Last evaluated: 2022-04-23. Review status: criteria provided, single submitter. Criteria: Invitae Variant Classification Sherloc (09022015). Collection method: clinical testing. Allele origin: germline.
Comment: This sequence change replaces valine, which is neutral and non-polar, with glycine, which is neutral and non-polar, at codon 1102 of the ADAMTS2 protein (p.Val1102Gly). This variant is not present in population databases (gnomAD no frequency). This variant has not been reported in the literature in individuals affected with ADAMTS2-related conditions. Algorithms developed to predict the effect of missense changes on protein structure and function (SIFT, PolyPhen-2, Align-GVGD) all suggest that this variant is likely to be tolerated. In summary, the available evidence is currently insufficient to determine the role of this variant in disease. Therefore, it has been classified as a Variant of Uncertain Significance.